The following is an entry in ClinVar:

NM_001194.4(HCN2):c.2575C>T (p.Pro859Ser)

Gene: HCN2 (hyperpolarization activated cyclic nucleotide gated potassium and sodium channel 2; plus strand). Cytogenetic location: 19p13.3.
Variant type: single nucleotide variant.
Coding change: c.2575C>T on transcript NM_001194.4 (MANE Select); coding-DNA position 2575, C replaced by T.
Protein change: p.Pro859Ser; replaces proline 859 with serine.
Molecular consequence: missense variant.
Genome position (GRCh38, 1-based): chr19:616,379, C>T. VCF-style: chr19-616379-C-T. GRCh37 (hg19) VCF-style: chr19-616379-C-T.
Other names: short protein forms P859S.
Identifiers: ClinVar variation 985645 (VCV000985645.4), dbSNP rs1316756376, ClinGen allele CA402888928.

ClinVar aggregate classification (germline): Uncertain significance (1 of 4 stars; one submission).

Conditions:
Inborn genetic diseases. Identifiers: MedGen C0950123, MeSH D030342.

Allele frequency attached by ClinVar (database versions not stated): gnomAD 0.00002; TOPMed 0.00002; gnomAD exomes 0.00006.

Submission:

Ambry Genetics
Classification: Uncertain significance for Inborn genetic diseases. Last evaluated: 2020-05-15. Review status: criteria provided, single submitter. Criteria: Ambry Variant Classification Scheme 2023. Collection method: clinical testing. Allele origin: germline.
Comment: The alteration results in an amino acid change:_x000D_ _x000D_ The c.2575C>T (p.P859S) alteration is located in coding exon 8 of the HCN2 gene. This alteration results from a C to T substitution at nucleotide position 2575, causing the proline (P) at amino acid position 859 to be replaced by a serine (S). The alteration is rare in population databases:_x000D_ _x000D_ Based on data from the Genome Aggregation Database (gnomAD), the c.2575C>T alteration was observed in 0.0056% (2/35768) of total alleles studied, with a frequency of 0.0162% (2/12330) in the European (Non-Finnish) subpopulation. The altered amino acid is conserved throughout evolution:_x000D_ _x000D_ The p.P859 amino acid is conserved in available vertebrate species. The alteration is predicted tolerated by in silico modeling:_x000D_ _x000D_ The p.P859S alteration is predicted to be tolerated by in silico analysis. Based on insufficient or conflicting evidence, the clinical significance of this alteration remains unclear.